The following is an entry in ClinVar:

ClinVar aggregate classification (germline): Uncertain significance (1 of 4 stars; one submission).

Conditions:
Familial cancer of breast. Also called: BREAST CANCER, FAMILIAL; Hereditary breast cancer; hereditary breast carcinoma. Identifiers: Orphanet 227535, MedGen C0346153, MONDO:0016419, OMIM 114480. Disease mechanism: loss of function.

Submission:

Labcorp Genetics (formerly Invitae), Labcorp
Classification: Uncertain significance for Familial cancer of breast. Last evaluated: 2024-03-18. Review status: criteria provided, single submitter. Criteria: Invitae Variant Classification Sherloc (09022015). Collection method: clinical testing. Allele origin: germline.
Comment: This sequence change replaces asparagine, which is neutral and polar, with lysine, which is basic and polar, at codon 318 of the BARD1 protein (p.Asn318Lys). This variant is not present in population databases (gnomAD no frequency). This variant has not been reported in the literature in individuals affected with BARD1-related conditions. ClinVar contains an entry for this variant (Variation ID: 1415370). An algorithm developed to predict the effect of missense changes on protein structure and function (PolyPhen-2) suggests that this variant is likely to be tolerated. In summary, the available evidence is currently insufficient to determine the role of this variant in disease. Therefore, it has been classified as a Variant of Uncertain Significance.

NM_000465.4(BARD1):c.954T>G (p.Asn318Lys)

Gene: BARD1 (BRCA1 associated RING domain 1; minus strand). Cytogenetic location: 2q35.
Variant type: single nucleotide variant.
Coding change: c.954T>G on transcript NM_000465.4 (MANE Select); coding-DNA position 954, T replaced by G.
Protein change: p.Asn318Lys; replaces asparagine 318 with lysine.
Molecular consequence: missense variant. On other transcripts: non-coding transcript variant (2), intron variant (3).
Genome position (GRCh38, 1-based): chr2:214,780,920, A>C on the plus strand (T>G on the coding strand, the complement: BARD1 is on the minus strand). VCF-style: chr2-214780920-A-C. GRCh37 (hg19) VCF-style: chr2-215645644-A-C.
Other names: c.897T>G, p.Asn299Lys (NM_001282543.2); c.159-28365T>G (NM_001282548.2); c.215+16141T>G (NM_001282545.2); c.364+11377T>G (NM_001282549.2); short protein forms N299K, N318K.
Identifiers: ClinVar variation 1415370 (VCV001415370.9), dbSNP rs771502065, ClinGen allele CA350454767.